The following is an entry in ClinVar:

NM_004667.6(HERC2):c.7111C>T (p.Pro2371Ser)

Gene: HERC2 (HECT and RLD domain containing E3 ubiquitin protein ligase 2; minus strand). Cytogenetic location: 15q13.1.
Variant type: single nucleotide variant.
Coding change: c.7111C>T on transcript NM_004667.6 (MANE Select); coding-DNA position 7111, C replaced by T.
Protein change: p.Pro2371Ser; replaces proline 2371 with serine.
Molecular consequence: missense variant.
Genome position (GRCh38, 1-based): chr15:28,206,341, G>A on the plus strand (C>T on the coding strand, the complement: HERC2 is on the minus strand). VCF-style: chr15-28206341-G-A. GRCh37 (hg19) VCF-style: chr15-28451487-G-A.
Other names: short protein forms P2371S.
Identifiers: ClinVar variation 4686210 (VCV004686210.1).

ClinVar aggregate classification (germline): Uncertain significance (1 of 4 stars; one submission).

Submission:

GeneDx
Classification: Uncertain significance. Last evaluated: 2025-07-16. Review status: criteria provided, single submitter. Criteria: GeneDx Variant Classification Process June 2021. Collection method: clinical testing. Allele origin: germline. Affected: yes.
Comment: Not observed at significant frequency in large population cohorts (gnomAD); In silico analysis suggests that this missense variant does not alter protein structure/function; Has not been previously published as pathogenic or benign to our knowledge